The following is an entry in ClinVar:

NM_012463.4(ATP6V0A2):c.2005C>G (p.Leu669Val)

Gene: ATP6V0A2 (ATPase H+ transporting V0 subunit a2; plus strand). Cytogenetic location: 12q24.31.
Variant type: single nucleotide variant.
Coding change: c.2005C>G on transcript NM_012463.4 (MANE Select); coding-DNA position 2005, C replaced by G.
Protein change: p.Leu669Val; replaces leucine 669 with valine.
Molecular consequence: missense variant.
Genome position (GRCh38, 1-based): chr12:123,751,179, C>G. VCF-style: chr12-123751179-C-G. GRCh37 (hg19) VCF-style: chr12-124235726-C-G.
Other names: short protein forms L669V.
Identifiers: ClinVar variation 384139 (VCV000384139.6), dbSNP rs374410950, ClinGen allele CA6862088.

ClinVar aggregate classification (germline): Uncertain significance. Review status: criteria provided, multiple submitters, no conflicts (2 of 4 stars). 2 submissions from 2 submitters: Uncertain significance (2). Last evaluated 2025-03-31.

Conditions:
ALG9 congenital disorder of glycosylation (CDG1L). Also called: ALG9-CDG; CONGENITAL DISORDER OF GLYCOSYLATION, TYPE Il; CDG Il. Identifiers: Orphanet 79328, MedGen C2931006, MONDO:0012117, OMIM 608776.

Allele frequency attached by ClinVar (database versions not stated): TOPMed below 0.00001; gnomAD 0.00001 and 0.00004; gnomAD exomes 0.00007 and 0.00014; ESP Exome Variant Server 0.00008; ExAC 0.00013; 1000 Genomes Project 30x 0.00016; 1000 Genomes Project 0.00020.
gnomAD v4.1: 105 of 1,614,206 alleles (0.0065%); highest among the groups gnomAD compares: South Asian, 0.11%; 1 homozygote.

Submissions (2):

Labcorp Genetics (formerly Invitae), Labcorp
Classification: Uncertain significance for ALG9 congenital disorder of glycosylation. Last evaluated: 2025-03-31. Review status: criteria provided, single submitter. Criteria: Invitae Variant Classification Sherloc (09022015). Collection method: clinical testing. Allele origin: germline.
Comment: This sequence change replaces leucine, which is neutral and non-polar, with valine, which is neutral and non-polar, at codon 669 of the ATP6V0A2 protein (p.Leu669Val). This variant is present in population databases (rs374410950, gnomAD 0.1%). This variant has not been reported in the literature in individuals affected with ATP6V0A2-related conditions. ClinVar contains an entry for this variant (Variation ID: 384139). Invitae Evidence Modeling of protein sequence and biophysical properties (such as structural, functional, and spatial information, amino acid conservation, physicochemical variation, residue mobility, and thermodynamic stability) indicates that this missense variant is not expected to disrupt ATP6V0A2 protein function with a negative predictive value of 80%. In summary, the available evidence is currently insufficient to determine the role of this variant in disease. Therefore, it has been classified as a Variant of Uncertain Significance.

GeneDx
Classification: Uncertain significance. Last evaluated: 2016-03-10. Review status: criteria provided, single submitter. Criteria: GeneDx Variant Classification (06012015). Collection method: clinical testing. Allele origin: germline. Affected: yes.
Comment: A variant of uncertain significance has been identified in the ATP6V0A2 gene. The L669V variant has not been published as a pathogenic variant, nor has it been reported as a benign variant to our knowledge. It was not observed with any significant frequency in approximately 6,500 individuals of European and African American ancestry in the NHLBI Exome Sequencing Project. This substitution occurs at a position that is conserved across species. However, the L669V variant is a conservative amino acid substitution, which is not likely to impact secondary protein structure as these residues share similar properties. In silico analysis is inconsistent in its predictions as to whether or not this variant is damaging to the protein structure/function. Based on the currently available information, it is unclear whether the L669V variant is a pathogenic variant or a rare benign variant.